The following is an entry in ClinVar:

NM_000064.4(C3):c.901G>A (p.Val301Met)

Gene: C3 (complement C3; minus strand). Cytogenetic location: 19p13.3.
Variant type: single nucleotide variant.
Coding change: c.901G>A on transcript NM_000064.4 (MANE Select); coding-DNA position 901, G replaced by A.
Protein change: p.Val301Met; replaces valine 301 with methionine.
Molecular consequence: missense variant.
Genome position (GRCh38, 1-based): chr19:6,713,291, C>T on the plus strand (G>A on the coding strand, the complement: C3 is on the minus strand). VCF-style: chr19-6713291-C-T. GRCh37 (hg19) VCF-style: chr19-6713302-C-T.
Other names: short protein forms V301M.
Identifiers: ClinVar variation 2910449 (VCV002910449.3), dbSNP rs200538609, ClinGen allele CA304797703.

ClinVar aggregate classification (germline): Uncertain significance (1 of 4 stars; one submission).

Allele frequency attached by ClinVar (database versions not stated): TOPMed 0.00001; gnomAD 0.00004; gnomAD exomes 0.00004.

Submission:

Labcorp Genetics (formerly Invitae), Labcorp
Classification: Uncertain significance. Last evaluated: 2024-01-29. Review status: criteria provided, single submitter. Criteria: Invitae Variant Classification Sherloc (09022015). Collection method: clinical testing. Allele origin: germline.
Comment: This sequence change replaces valine, which is neutral and non-polar, with methionine, which is neutral and non-polar, at codon 301 of the C3 protein (p.Val301Met). This variant is present in population databases (rs200538609, gnomAD 0.006%). This variant has not been reported in the literature in individuals affected with C3-related conditions. Advanced modeling of protein sequence and biophysical properties (such as structural, functional, and spatial information, amino acid conservation, physicochemical variation, residue mobility, and thermodynamic stability) performed at Invitae indicates that this missense variant is not expected to disrupt C3 protein function with a negative predictive value of 80%. In summary, the available evidence is currently insufficient to determine the role of this variant in disease. Therefore, it has been classified as a Variant of Uncertain Significance.